The following is an entry in ClinVar:

ClinVar aggregate classification (germline): Pathogenic (1 of 4 stars; one submission).

Conditions:
Joubert syndrome 21 (JBTS21). Identifiers: MedGen C3810212, MONDO:0014288, OMIM 615636.

Submission:

OLLIN Analises Genomicas, OLLIN
Classification: Pathogenic for Joubert syndrome 21. Last evaluated: 2025-06-26. Review status: criteria provided, single submitter. Criteria: ACMG Guidelines 2015 PMID 25741868. Collection method: clinical testing. Allele origin: germline. Affected: yes. Observed: 1 variant allele.
Comment: The variant located at the canonical splicing site (splice donor) (chr8:67095733G>A), located in intron 7 (of 31 exons), is not reported in the gnomAD v4.1 non-UKB and ClinVar databases, nor in the scientific literature. This variant is predicted to disrupt the canonical splice site, resulting in a truncated protein, or in mRNA degradation via NMD or exon skipping. There is another pathogenic variant at this same position that alters the splicing site (c.923+1G>C, ClinVar ID: VCV000217649.7, PMID: 24360808). According to the currently available evidence, this variant has been classified as pathogenic (PVS1, PS1_P, PM2_P).

Literature cited by the submitters: PubMed 24360808.

NM_001382391.1(CSPP1):c.923+1G>A

Gene: CSPP1 (centrosome and spindle pole associated protein 1; plus strand). Cytogenetic location: 8q13.1.
Variant type: single nucleotide variant.
Coding change: c.923+1G>A on transcript NM_001382391.1 (MANE Select); the canonical splice donor site of the intron after coding-DNA position 923, G replaced by A.
Molecular consequence: splice donor variant.
Genome position (GRCh38, 1-based): chr8:67,095,733, G>A. VCF-style: chr8-67095733-G-A. GRCh37 (hg19) VCF-style: chr8-68007968-G-A.
Other names: c.923+1G>A (NM_001363132.2); c.842+1G>A (NM_001363131.2, NM_001363133.2); c.1031+1G>A (NM_001364869.1); c.950+1G>A (NM_024790.7, NM_001438331.1, NM_001438330.1 and 2 more transcripts); c.68+1G>A (NM_001291339.2).
Identifiers: ClinVar variation 4814125 (VCV004814125.1).